The following is an entry in ClinVar:

ClinVar aggregate classification (germline): Uncertain significance (1 of 4 stars; one submission).

Conditions:
Ritscher-Schinzel syndrome. Also called: CRANIOCEREBELLOCARDIAC DYSPLASIA. Identifiers: Orphanet 7, MedGen C0796137, MONDO:0019078.
Hereditary spastic paraplegia 8 (SPG8). Also called: SPASTIC PARAPLEGIA 8, AUTOSOMAL DOMINANT. Identifiers: Orphanet 100989, MedGen C1863704, MONDO:0011339, OMIM 603563.

Allele frequency attached by ClinVar (database versions not stated): gnomAD exomes 0.00004; TOPMed 0.00006; ExAC 0.00020.
gnomAD v4.1: 66 of 1,614,132 alleles (0.0041%); highest among the groups gnomAD compares: Admixed American, 0.1%; no homozygotes.

Submission:

Labcorp Genetics (formerly Invitae), Labcorp
Classification: Uncertain significance for Ritscher-Schinzel syndrome; Hereditary spastic paraplegia 8. Last evaluated: 2025-10-15. Review status: criteria provided, single submitter. Criteria: Invitae Variant Classification Sherloc (09022015). Collection method: clinical testing. Allele origin: germline.
Comment: This sequence change replaces tyrosine, which is neutral and polar, with cysteine, which is neutral and slightly polar, at codon 1016 of the WASHC5 protein (p.Tyr1016Cys). This variant is present in population databases (rs767608029, gnomAD 0.1%). This variant has not been reported in the literature in individuals affected with WASHC5-related conditions. ClinVar contains an entry for this variant (Variation ID: 583273). Invitae Evidence Modeling of protein sequence and biophysical properties (such as structural, functional, and spatial information, amino acid conservation, physicochemical variation, residue mobility, and thermodynamic stability) indicates that this missense variant is expected to disrupt WASHC5 protein function with a positive predictive value of 80%. In summary, the available evidence is currently insufficient to determine the role of this variant in disease. Therefore, it has been classified as a Variant of Uncertain Significance.

NM_014846.4(WASHC5):c.3047A>G (p.Tyr1016Cys)

Gene: WASHC5 (WASH complex subunit 5; minus strand). Cytogenetic location: 8q24.13.
Variant type: single nucleotide variant.
Coding change: c.3047A>G on transcript NM_014846.4 (MANE Select); coding-DNA position 3047, A replaced by G.
Protein change: p.Tyr1016Cys; replaces tyrosine 1016 with cysteine.
Molecular consequence: missense variant.
Genome position (GRCh38, 1-based): chr8:125,038,867, T>C on the plus strand (A>G on the coding strand, the complement: WASHC5 is on the minus strand). VCF-style: chr8-125038867-T-C. GRCh37 (hg19) VCF-style: chr8-126051109-T-C.
Other names: c.2603A>G, p.Tyr868Cys (NM_001330609.2); short protein forms Y1016C, Y868C.
Identifiers: ClinVar variation 583273 (VCV000583273.11), dbSNP rs767608029, ClinGen allele CA4873339.